The following is an entry in ClinVar:

ClinVar aggregate classification (germline): Benign/Likely benign. Review status: criteria provided, multiple submitters, no conflicts (2 of 4 stars). 2 submissions from 2 submitters: Benign (1); Likely benign (1). Last evaluated 2025-12-27.

Conditions:
Intellectual disability. Also called: Intellectual developmental disorder; Intellectual functioning disability; intellectual disabilities. Identifiers: MedGen C3714756, MeSH D008607, MONDO:0001071, HP:0001249.

Allele frequency attached by ClinVar (database versions not stated): gnomAD exomes 0.00006 and 0.00001; 1000 Genomes Project 30x 0.00016; 1000 Genomes Project 0.00020; gnomAD 0.00015 and 0.00017; ExAC 0.00013; ESP Exome Variant Server 0.00023; TOPMed 0.00014.
gnomAD v4.1: 41 of 1,590,258 alleles (0.0026%); highest among the groups gnomAD compares: African/African-American, 0.054%; no homozygotes.

Submissions (2):

Labcorp Genetics (formerly Invitae), Labcorp
Classification: Benign for Intellectual disability. Last evaluated: 2025-12-27. Review status: criteria provided, single submitter. Criteria: Invitae Variant Classification Sherloc (09022015). Collection method: clinical testing. Allele origin: germline.

GeneDx
Classification: Likely benign. Last evaluated: 2017-11-22. Review status: criteria provided, single submitter. Criteria: GeneDx Variant Classification (06012015). Collection method: clinical testing. Allele origin: germline. Affected: yes.
Comment: This variant is considered likely benign or benign based on one or more of the following criteria: it is a conservative change, it occurs at a poorly conserved position in the protein, it is predicted to be benign by multiple in silico algorithms, and/or has population frequency not consistent with disease.

NM_001371727.1(GABRB2):c.77+18T>C

Gene: GABRB2 (gamma-aminobutyric acid type A receptor subunit beta2; minus strand). Cytogenetic location: 5q34.
Variant type: single nucleotide variant.
Coding change: c.77+18T>C on transcript NM_001371727.1 (MANE Select); 18 bases into the intron after coding-DNA position 77, T replaced by C.
Molecular consequence: intron variant.
Genome position (GRCh38, 1-based): chr5:161,546,549, A>G on the plus strand (T>C on the coding strand, the complement: GABRB2 is on the minus strand). VCF-style: chr5-161546549-A-G. GRCh37 (hg19) VCF-style: chr5-160973555-A-G.
Other names: c.77+18T>C (NM_000813.3, NM_021911.3).
Identifiers: ClinVar variation 513649 (VCV000513649.6), dbSNP rs200524787, ClinGen allele CA3543684.
Genomic context (GRCh38, chr5:161,546,549, plus strand): 5'-CATTTCCCTGCTCACAGAGGTATGCAGACAGAACCCTTCAAAGTGAGAACGGAAAAGAGA[A>G]ACGCTGGGCACACTTACCTCTGCGCACAGACAGCGGCGATTATTAAGGGGAAGGACCAAA-3'